The following is an entry in ClinVar:

ClinVar aggregate classification (germline): Conflicting classifications of pathogenicity. Review status: criteria provided, conflicting classifications (1 of 4 stars). 3 submissions from 3 submitters: Uncertain significance (1); Likely benign (1). 1 of the submissions does not count toward it. Last evaluated 2023-03-01.

Conditions:
FBN3-related disorder. Also called: FBN3-related condition.

Allele frequency attached by ClinVar (database versions not stated): 1000 Genomes Project 0.00040; 1000 Genomes Project 30x 0.00047; ESP Exome Variant Server 0.00131; TOPMed 0.00206; gnomAD 0.00292 and 0.00299; gnomAD exomes 0.00338 and 0.00354; ExAC 0.00380.
gnomAD v4.1: 5,405 of 1,613,960 alleles (0.33%); highest among the groups gnomAD compares: Non-Finnish European, 0.35%; 21 homozygotes.

Submissions (3):

CeGaT Center for Human Genetics Tuebingen
Classification: Likely benign. Last evaluated: 2023-03-01. Review status: criteria provided, single submitter. Criteria: CeGaT Center For Human Genetics Tuebingen Variant Classification Criteria Version 2. Collection method: clinical testing. Allele origin: germline. Affected: yes. Observed: 5 variant alleles.
Comment: FBN3: BS2

Breakthrough Genomics
Classification: Uncertain significance. Review status: criteria provided, single submitter. Criteria: ACMG Guidelines, 2015. Collection method: not provided. Allele origin: germline. Inheritance: Unknown mechanism. Affected: yes.

PreventionGenetics, part of Exact Sciences
Classification: Benign for FBN3-related condition. Last evaluated: 2019-03-12. Review status: no assertion criteria provided. Collection method: clinical testing. Allele origin: germline. Not counted in ClinVar's aggregate classification.
Comment: This variant is classified as benign based on ACMG/AMP sequence variant interpretation guidelines (Richards et al. 2015 PMID: 25741868, with internal and published modifications).

NM_032447.5(FBN3):c.6604G>A (p.Gly2202Arg)

Gene: FBN3 (fibrillin 3; minus strand). Cytogenetic location: 19p13.2.
Variant type: single nucleotide variant.
Coding change: c.6604G>A on transcript NM_032447.5 (MANE Select); coding-DNA position 6604, G replaced by A.
Protein change: p.Gly2202Arg; replaces glycine 2202 with arginine.
Molecular consequence: missense variant.
Genome position (GRCh38, 1-based): chr19:8,087,840, C>T on the plus strand (G>A on the coding strand, the complement: FBN3 is on the minus strand). VCF-style: chr19-8087840-C-T. GRCh37 (hg19) VCF-style: chr19-8152724-C-T.
Other names: c.6604G>A, p.Gly2202Arg (NM_001321431.2); c.6604G>A (NM_001321431.1); short protein forms G2202R.
Identifiers: ClinVar variation 444445 (VCV000444445.45), dbSNP rs138457751, ClinGen allele CA9151216.
Genomic context (GRCh38, chr19:8,087,840, plus strand): 5'-GTATTTTTAGTAGAGACAGGGTTTTACCATATTAGTCAGGCCTACCTCGACACATGGCCC[C>T]ATCCTCCCGCAGGGTGTAGCCGGCTGGACAGGTGCACAGGTAGGAGCCCTCGGTATTGTG-3'
Protein context (NP_115823.3, residues 2192-2212): CPAGYTLRED[Gly2202Arg]AMCRDVDECA